The following is an entry in ClinVar:

NM_000135.4(FANCA):c.1583T>C (p.Met528Thr)

Gene: FANCA (FA complementation group A; minus strand). Cytogenetic location: 16q24.3.
Variant type: single nucleotide variant.
Coding change: c.1583T>C on transcript NM_000135.4 (MANE Select); coding-DNA position 1583, T replaced by C.
Protein change: p.Met528Thr; replaces methionine 528 with threonine.
Molecular consequence: missense variant.
Genome position (GRCh38, 1-based): chr16:89,782,902, A>G on the plus strand (T>C on the coding strand, the complement: FANCA is on the minus strand). VCF-style: chr16-89782902-A-G. GRCh37 (hg19) VCF-style: chr16-89849310-A-G.
Other names: c.1583T>C, p.Met528Thr (NM_001286167.3); short protein forms M528T.
Identifiers: ClinVar variation 4870865 (VCV004870865.1).

ClinVar aggregate classification (germline): Uncertain significance (1 of 4 stars; one submission).

Conditions:
Inborn genetic diseases. Identifiers: MedGen C0950123, MeSH D030342.

gnomAD v4.1: 1 of 1,614,144 alleles (0.000062%); highest among the groups gnomAD compares: Non-Finnish European, 0.000085%; no homozygotes.

Submission:

Ambry Genetics
Classification: Uncertain significance for Inborn genetic diseases. Last evaluated: 2026-05-14. Review status: criteria provided, single submitter. Criteria: Ambry Variant Classification Scheme 2023. Collection method: clinical testing. Allele origin: germline.
Comment: The p.M528T variant (also known as c.1583T>C), located in coding exon 17 of the FANCA gene, results from a T to C substitution at nucleotide position 1583. The methionine at codon 528 is replaced by threonine, an amino acid with similar properties. This amino acid position is conserved. In addition, the in silico prediction for this alteration is inconclusive. Based on the available evidence, the clinical significance of this variant remains unclear.